The following is an entry in ClinVar:

ClinVar aggregate classification (germline): Uncertain significance (1 of 4 stars; one submission).

Conditions:
Inborn genetic diseases. Identifiers: MedGen C0950123, MeSH D030342.

Submission:

Ambry Genetics
Classification: Uncertain significance for Inborn genetic diseases. Last evaluated: 2024-08-23. Review status: criteria provided, single submitter. Criteria: Ambry Variant Classification Scheme 2023. Collection method: clinical testing. Allele origin: germline.
Comment: The c.160A>G (p.I54V) alteration is located in exon 2 (coding exon 2) of the PAX5 gene. This alteration results from a A to G substitution at nucleotide position 160, causing the isoleucine (I) at amino acid position 54 to be replaced by a valine (V). This variant was not reported in population-based cohorts in the Genome Aggregation Database (gnomAD). This amino acid position is highly conserved in available vertebrate species. This missense alteration is located in a region that has a low rate of benign missense variation (Lek, 2016; Firth, 2009). This alteration is predicted to be deleterious by in silico analysis. Based on insufficient or conflicting evidence, the clinical significance of this alteration remains unclear.

NM_016734.3(PAX5):c.160A>G (p.Ile54Val)

Gene: PAX5 (paired box 5; minus strand). Cytogenetic location: 9p13.2.
Variant type: single nucleotide variant.
Coding change: c.160A>G on transcript NM_016734.3 (MANE Select); coding-DNA position 160, A replaced by G.
Protein change: p.Ile54Val; replaces isoleucine 54 with valine.
Molecular consequence: missense variant. On other transcripts: non-coding transcript variant (2), intron variant (2).
Genome position (GRCh38, 1-based): chr9:37,020,688, T>C on the plus strand (A>G on the coding strand, the complement: PAX5 is on the minus strand). VCF-style: chr9-37020688-T-C. GRCh37 (hg19) VCF-style: chr9-37020685-T-C.
Other names: c.160A>G, p.Ile54Val (NM_001280547.2, NM_001280548.2, NM_001280549.2 and 5 more transcripts); c.-112-5494A>G (NM_001280551.2, NM_001280556.2); short protein forms I54V.
Identifiers: ClinVar variation 3414559 (VCV003414559.1).